The following is an entry in ClinVar:

NM_006088.6(TUBB4B):c.12C>T (p.Ile4=)

Gene: TUBB4B (tubulin beta 4B class IVb; plus strand). Cytogenetic location: 9q34.3.
Variant type: single nucleotide variant.
Coding change: c.12C>T on transcript NM_006088.6 (MANE Select); coding-DNA position 12, C replaced by T.
Protein change: p.Ile4=; no amino-acid change (isoleucine 4 retained).
Molecular consequence: synonymous variant.
Genome position (GRCh38, 1-based): chr9:137,241,372, C>T. VCF-style: chr9-137241372-C-T. GRCh37 (hg19) VCF-style: chr9-140135824-C-T.
Other names: c.12C>T (NM_006088.5).
Identifiers: ClinVar variation 1608124 (VCV001608124.10), dbSNP rs572419362, ClinGen allele CA5365116.

ClinVar aggregate classification (germline): Benign. Review status: criteria provided, single submitter (1 of 4 stars). 2 submissions from 2 submitters: Benign (1). 1 of the submissions does not count toward it. Last evaluated 2026-01-08.

Conditions:
TUBB4B-related disorder. Also called: TUBB4B-related condition.

Allele frequency attached by ClinVar (database versions not stated): gnomAD 0.00004 and 0.00037; TOPMed 0.00009; 1000 Genomes Project 30x 0.00328; 1000 Genomes Project 0.00379.
gnomAD v4.1: 1,088 of 1,603,276 alleles (0.068%); highest among the groups gnomAD compares: South Asian, 1.1%; 18 homozygotes.

Submissions (2):

Labcorp Genetics (formerly Invitae), Labcorp
Classification: Benign. Last evaluated: 2026-01-08. Review status: criteria provided, single submitter. Criteria: Invitae Variant Classification Sherloc (09022015). Collection method: clinical testing. Allele origin: germline.

PreventionGenetics, part of Exact Sciences
Classification: Benign for TUBB4B-related condition. Last evaluated: 2019-07-11. Review status: no assertion criteria provided. Collection method: clinical testing. Allele origin: germline. Not counted in ClinVar's aggregate classification.
Comment: This variant is classified as benign based on ACMG/AMP sequence variant interpretation guidelines (Richards et al. 2015 PMID: 25741868, with internal and published modifications).